The following is an entry in ClinVar:

NM_000053.4(ATP7B):c.439C>G (p.Leu147Val)

Gene: ATP7B (ATPase copper transporting beta; minus strand). Cytogenetic location: 13q14.3.
Variant type: single nucleotide variant.
Coding change: c.439C>G on transcript NM_000053.4 (MANE Select); coding-DNA position 439, C replaced by G.
Protein change: p.Leu147Val; replaces leucine 147 with valine.
Molecular consequence: missense variant.
Genome position (GRCh38, 1-based): chr13:51,974,781, G>C on the plus strand (C>G on the coding strand, the complement: ATP7B is on the minus strand). VCF-style: chr13-51974781-G-C. GRCh37 (hg19) VCF-style: chr13-52548917-G-C.
Other names: c.439C>G, p.Leu147Val (NM_001406521.1, NM_001406522.1, NM_001406523.1 and 30 more transcripts); c.343C>G, p.Leu115Val (NM_001406530.1, NM_001406543.1, NM_001406544.1 and 4 more transcripts); short protein forms L115V, L147V.
Identifiers: ClinVar variation 4757255 (VCV004757255.1).

ClinVar aggregate classification (germline): Uncertain significance (1 of 4 stars; one submission).

Conditions:
Wilson disease (WND). Also called: Wilson's disease. Identifiers: Orphanet 905, MedGen C0019202, MONDO:0010200, OMIM 277900. Disease mechanism: loss of function.

Submission:

Color Diagnostics, LLC DBA Color Health
Classification: Uncertain significance for Wilson disease. Last evaluated: 2025-06-23. Review status: criteria provided, single submitter. Criteria: ACMG Guidelines, 2015. Collection method: clinical testing. Allele origin: germline.
Comment: This missense variant replaces leucine with valine at codon 147 of the ATP7B protein. Computational prediction is inconclusive regarding the impact of this variant on protein structure and function. To our knowledge, functional studies have not been reported for this variant. This variant has not been reported in individuals affected with ATP7B-related disorders in the literature. This variant has not been identified in the general population by the Genome Aggregation Database (gnomAD). The available evidence is insufficient to determine the role of this variant in disease conclusively. Therefore, this variant is classified as a Variant of Uncertain Significance.